The following is an entry in ClinVar:

NM_001084.5(PLOD3):c.1289dup (p.Ala431fs)

Gene: PLOD3 (procollagen-lysine,2-oxoglutarate 5-dioxygenase 3; minus strand). Cytogenetic location: 7q22.1.
Variant type: Duplication.
Coding change: c.1289dup on transcript NM_001084.5 (MANE Select); coding-DNA position 1289, one base duplicated (G; older notation c.1289dupG).
Protein change: p.Ala431fs; shifts the reading frame from alanine 431.
Molecular consequence: frameshift variant.
Genome position (GRCh38, 1-based): chr7:101,211,660, C duplicated on the plus strand (G on the coding strand, the reverse complement: PLOD3 is on the minus strand); the first of 4 consecutive C bases (chr7:101,211,660-101,211,663); duplicating any one gives the same sequence. VCF-style (leftmost placement, unchanged base first): chr7-101211659-G-GC. GRCh37 (hg19) VCF-style: chr7-100854940-G-GC.
Other names: short protein forms A431fs.
Identifiers: ClinVar variation 2787301 (VCV002787301.3), dbSNP rs2535167499, ClinGen allele CA2739279529.

ClinVar aggregate classification (germline): Pathogenic (1 of 4 stars; one submission).

Submission:

Labcorp Genetics (formerly Invitae), Labcorp
Classification: Pathogenic. Last evaluated: 2024-01-09. Review status: criteria provided, single submitter. Criteria: Invitae Variant Classification Sherloc (09022015). Collection method: clinical testing. Allele origin: germline.
Comment: This sequence change creates a premature translational stop signal (p.Ala431Argfs*6) in the PLOD3 gene. It is expected to result in an absent or disrupted protein product. Loss-of-function variants in PLOD3 are known to be pathogenic (PMID: 30237576). This variant is not present in population databases (gnomAD no frequency). This variant has not been reported in the literature in individuals affected with PLOD3-related conditions. For these reasons, this variant has been classified as Pathogenic.

Literature cited by the submitters: PubMed 30237576.